The following is an entry in ClinVar:

ClinVar aggregate classification (germline): Pathogenic. Review status: criteria provided, multiple submitters, no conflicts (2 of 4 stars). 2 submissions from 2 submitters: Pathogenic (2). Last evaluated 2025-05-08.

Conditions:
Hereditary cancer-predisposing syndrome. Also called: Hereditary neoplastic syndrome; Neoplastic Syndromes, Hereditary; Tumor predisposition; Hereditary Cancer Syndrome. Identifiers: Orphanet 140162, MedGen C0027672, MeSH D009386, MONDO:0015356.
DICER1-related tumor predisposition. Also called: DICER1-related pleuropulmonary blastoma cancer predisposition syndrome; DICER1 syndrome. Identifiers: Orphanet 284343, MedGen C3839822, MONDO:0100216.

Submissions (2):

Ambry Genetics
Classification: Pathogenic for Hereditary cancer-predisposing syndrome. Last evaluated: 2025-05-08. Review status: criteria provided, single submitter. Criteria: Ambry Variant Classification Scheme 2023. Collection method: clinical testing. Allele origin: germline.
Comment: The c.2651-2A>G intronic pathogenic mutation results from an A to G substitution two nucleotides upstream from coding exon 16 in the DICER1 gene. This variant is considered to be rare based on population cohorts in the Genome Aggregation Database (gnomAD). This nucleotide position is highly conserved in available vertebrate species. In silico splice site analysis predicts that this alteration will weaken the native splice acceptor site and will result in the creation or strengthening of a novel splice acceptor site. Alterations that disrupt the canonical splice site are expected to cause aberrant splicing, resulting in an abnormal protein or a transcript that is subject to nonsense-mediated mRNA decay. As such, this alteration is classified as a disease-causing mutation.

Labcorp Genetics (formerly Invitae), Labcorp
Classification: Pathogenic for DICER1-related tumor predisposition. Last evaluated: 2024-05-06. Review status: criteria provided, single submitter. Criteria: Invitae Variant Classification Sherloc (09022015). Collection method: clinical testing. Allele origin: germline.
Comment: This sequence change affects an acceptor splice site in intron 16 of the DICER1 gene. It is expected to disrupt RNA splicing. Variants that disrupt the donor or acceptor splice site typically lead to a loss of protein function (PMID: 16199547), and loss-of-function variants in DICER1 are known to be pathogenic (PMID: 19556464, 21266384). This variant is not present in population databases (gnomAD no frequency). Disruption of this splice site has been observed in individuals with clinical features of DICER1-related conditions (Invitae). ClinVar contains an entry for this variant (Variation ID: 412059). Algorithms developed to predict the effect of sequence changes on RNA splicing suggest that this variant may disrupt the consensus splice site. For these reasons, this variant has been classified as Pathogenic.

Literature cited by the submitters: PubMed 16199547 (cited by Labcorp Genetics (formerly Invitae), Labcorp); PubMed 19556464 (cited by Labcorp Genetics (formerly Invitae), Labcorp); PubMed 21266384 (cited by Labcorp Genetics (formerly Invitae), Labcorp).

NM_177438.3(DICER1):c.2651-2A>G

Gene: DICER1 (dicer 1, ribonuclease III; minus strand). Cytogenetic location: 14q32.13.
Variant type: single nucleotide variant.
Coding change: c.2651-2A>G on transcript NM_177438.3 (MANE Select); the canonical splice acceptor site of the intron before coding-DNA position 2651, A replaced by G.
Molecular consequence: splice acceptor variant.
Genome position (GRCh38, 1-based): chr14:95,107,763, T>C on the plus strand (A>G on the coding strand, the complement: DICER1 is on the minus strand). VCF-style: chr14-95107763-T-C. GRCh37 (hg19) VCF-style: chr14-95574100-T-C.
Other names: c.2651-2A>G (NM_001291628.2, NM_030621.4, NM_001395677.1 and 12 more transcripts); c.2246-2A>G (NM_001395690.1, NM_001395687.1, NM_001395689.1 and 2 more transcripts); c.2369-2A>G (NM_001395686.1); c.2084-2A>G (NM_001395691.1); c.968-2A>G (NM_001395697.1).
Identifiers: ClinVar variation 412059 (VCV000412059.13), dbSNP rs1060503596, ClinGen allele CA16614229.